The following is an entry in ClinVar:

NM_032608.7(MYO18B):c.3659C>T (p.Pro1220Leu)

Gene: MYO18B (myosin XVIIIB; plus strand). Cytogenetic location: 22q12.1.
Variant type: single nucleotide variant.
Coding change: c.3659C>T on transcript NM_032608.7 (MANE Select); coding-DNA position 3659, C replaced by T.
Protein change: p.Pro1220Leu; replaces proline 1220 with leucine.
Molecular consequence: missense variant.
Genome position (GRCh38, 1-based): chr22:25,847,536, C>T. VCF-style: chr22-25847536-C-T. GRCh37 (hg19) VCF-style: chr22-26243503-C-T.
Other names: c.3662C>T, p.Pro1221Leu (NM_001318245.2); c.3659C>T (NM_032608.5); short protein forms P1221L, P1220L.
Identifiers: ClinVar variation 1446707 (VCV001446707.9), dbSNP rs780088091, ClinGen allele CA10160625.

ClinVar aggregate classification (germline): Uncertain significance. Review status: criteria provided, multiple submitters, no conflicts (2 of 4 stars). 2 submissions from 2 submitters: Uncertain significance (2). Last evaluated 2023-04-19.

Conditions:
Inborn genetic diseases. Identifiers: MedGen C0950123, MeSH D030342.

Allele frequency attached by ClinVar (database versions not stated): TOPMed 0.00001; gnomAD exomes 0.00002 and 0.00004; gnomAD 0.00003; ExAC 0.00013.
gnomAD v4.1: 34 of 1,573,640 alleles (0.0022%); highest among the groups gnomAD compares: Admixed American, 0.0074%; no homozygotes.

Submissions (2):

Ambry Genetics
Classification: Uncertain significance for Inborn genetic diseases. Last evaluated: 2023-04-19. Review status: criteria provided, single submitter. Criteria: Ambry Variant Classification Scheme 2023. Collection method: clinical testing. Allele origin: germline.

Labcorp Genetics (formerly Invitae), Labcorp
Classification: Uncertain significance. Last evaluated: 2022-08-31. Review status: criteria provided, single submitter. Criteria: Invitae Variant Classification Sherloc (09022015). Collection method: clinical testing. Allele origin: germline.
Comment: This sequence change replaces proline, which is neutral and non-polar, with leucine, which is neutral and non-polar, at codon 1220 of the MYO18B protein (p.Pro1220Leu). This variant is present in population databases (rs780088091, gnomAD 0.01%). This variant has not been reported in the literature in individuals affected with MYO18B-related conditions. ClinVar contains an entry for this variant (Variation ID: 1446707). Algorithms developed to predict the effect of missense changes on protein structure and function output the following: SIFT: "Not Available"; PolyPhen-2: "Benign"; Align-GVGD: "Not Available". The leucine amino acid residue is found in multiple mammalian species, which suggests that this missense change does not adversely affect protein function. In summary, the available evidence is currently insufficient to determine the role of this variant in disease. Therefore, it has been classified as a Variant of Uncertain Significance.